The following is an entry in ClinVar:

NM_001267550.2(TTN):c.4101C>A (p.Ser1367Arg)

Genes: TTN (titin; minus strand), LOC101927055 (uncharacterized LOC101927055; plus strand). Cytogenetic location: 2q31.2.
Variant type: single nucleotide variant.
Coding change: c.4101C>A on transcript NM_001267550.2 (MANE Select); coding-DNA position 4101, C replaced by A.
Protein change: p.Ser1367Arg; replaces serine 1367 with arginine.
Molecular consequence: missense variant.
Genome position (GRCh38, 1-based): chr2:178,778,981, G>T on the plus strand (C>A on the coding strand, the complement: TTN is on the minus strand). VCF-style: chr2-178778981-G-T. GRCh37 (hg19) VCF-style: chr2-179643708-G-T.
Other names: c.4101C>A, p.Ser1367Arg (NM_001256850.1, NM_133378.4, NM_133379.5); c.3963C>A, p.Ser1321Arg (NM_003319.4, NM_133432.3, NM_133437.4); short protein forms S1321R, S1367R.
Identifiers: ClinVar variation 992201 (VCV000992201.2), dbSNP rs1307238681, ClinGen allele CA349473626.
Genomic context (GRCh38, chr2:178,778,981, plus strand): 5'-AAGTGGTGCAGCAGGCTCCACATACAATTTCCCTGAGCAAATTGCATTTCCTTTAATATT[G>T]CTGGCAAATGCAGTGTAGATTCCTTCATCTTCTGGAAGAACAACAGGTATACGCAGACTA-3'
Protein context (NP_001254479.2, residues 1357-1377): EDEGIYTAFA[Ser1367Arg]NIKGNAICSG

ClinVar aggregate classification (germline): Uncertain significance (1 of 4 stars; one submission).

Allele frequency attached by ClinVar (database versions not stated): gnomAD 0.00001; gnomAD exomes 0.00001; TOPMed 0.00001.
gnomAD v4.1: 15 of 1,613,852 alleles (0.00093%); highest among the groups gnomAD compares: Non-Finnish European, 0.0013%; no homozygotes.

Submission:

Women's Health and Genetics/Laboratory Corporation of America, LabCorp
Classification: Uncertain significance. Last evaluated: 2021-11-22. Review status: criteria provided, single submitter. Criteria: LabCorp Variant Classification Summary - May 2015. Collection method: clinical testing. Allele origin: germline.
Comment: Variant summary: TTN c.4101C>A (p.Ser1367Arg) results in a non-conservative amino acid change located in the near Z-disk domain of the encoded protein sequence. Four of five in-silico tools predict a damaging effect of the variant on protein function. The variant was absent in 250696 control chromosomes (gnomAD). The available data on variant occurrences in the general population are insufficient to allow any conclusion about variant significance. To our knowledge, no occurrence of c.4101C>A in individuals affected with Dilated Cardiomyopathy and no experimental evidence demonstrating its impact on protein function have been reported. One co-occurrence with another pathogenic variant has been internally reported (LMNA c.725C>T, p.Ala242Val), providing supporting evidence for a benign role. No clinical diagnostic laboratories have submitted clinical-significance assessments for this variant to ClinVar after 2014. Based on the evidence outlined above, the variant was classified as uncertain significance.